The following is an entry in ClinVar:

ClinVar aggregate classification (germline): Uncertain significance (1 of 4 stars; one submission).

Allele frequency attached by ClinVar (database versions not stated): gnomAD 0.00001; gnomAD exomes 0.00001 and 0.00002.

Submission:

Labcorp Genetics (formerly Invitae), Labcorp
Classification: Uncertain significance. Last evaluated: 2022-06-08. Review status: criteria provided, single submitter. Criteria: Invitae Variant Classification Sherloc (09022015). Collection method: clinical testing. Allele origin: germline.
Comment: This sequence change replaces glutamic acid, which is acidic and polar, with lysine, which is basic and polar, at codon 310 of the RBP3 protein (p.Glu310Lys). This variant is present in population databases (no rsID available, gnomAD 0.01%). This variant has not been reported in the literature in individuals affected with RBP3-related conditions. Algorithms developed to predict the effect of missense changes on protein structure and function are either unavailable or do not agree on the potential impact of this missense change (SIFT: "Tolerated"; PolyPhen-2: "Probably Damaging"; Align-GVGD: "Class C0"). In summary, the available evidence is currently insufficient to determine the role of this variant in disease. Therefore, it has been classified as a Variant of Uncertain Significance.

NM_002900.3(RBP3):c.928G>A (p.Glu310Lys)

Gene: RBP3 (retinol binding protein 3; plus strand). Cytogenetic location: 10q11.22.
Variant type: single nucleotide variant.
Coding change: c.928G>A on transcript NM_002900.3 (MANE Select); coding-DNA position 928, G replaced by A.
Protein change: p.Glu310Lys; replaces glutamic acid 310 with lysine.
Molecular consequence: missense variant.
Genome position (GRCh38, 1-based): chr10:47,349,412, G>A. VCF-style: chr10-47349412-G-A. GRCh37 (hg19) VCF-style: chr10-48389950-C-T.
Other names: short protein forms E310K.
Identifiers: ClinVar variation 1387059 (VCV001387059.5), dbSNP rs1010234580, ClinGen allele CA206461048.